The following is an entry in ClinVar:

ClinVar aggregate classification (germline): Uncertain significance (1 of 4 stars; one submission).

Conditions:
Nephronophthisis 14 (NPHP14). Identifiers: Orphanet 2318, MedGen C3539071, MONDO:0013916, OMIM 614844.

Allele frequency attached by ClinVar (database versions not stated): gnomAD exomes below 0.00001; TOPMed below 0.00001.
gnomAD v4.1: 4 of 1,614,142 alleles (0.00025%); highest among the groups gnomAD compares: Non-Finnish European, 0.00025%; no homozygotes.

Submission:

Labcorp Genetics (formerly Invitae), Labcorp
Classification: Uncertain significance for Nephronophthisis 14. Last evaluated: 2022-09-13. Review status: criteria provided, single submitter. Criteria: Invitae Variant Classification Sherloc (09022015). Collection method: clinical testing. Allele origin: germline.
Comment: This sequence change replaces methionine, which is neutral and non-polar, with threonine, which is neutral and polar, at codon 488 of the ZNF423 protein (p.Met488Thr). In summary, the available evidence is currently insufficient to determine the role of this variant in disease. Therefore, it has been classified as a Variant of Uncertain Significance. Advanced modeling of protein sequence and biophysical properties (such as structural, functional, and spatial information, amino acid conservation, physicochemical variation, residue mobility, and thermodynamic stability) performed at Invitae indicates that this missense variant is not expected to disrupt ZNF423 protein function. ClinVar contains an entry for this variant (Variation ID: 1351929). This variant has not been reported in the literature in individuals affected with ZNF423-related conditions. This variant is present in population databases (no rsID available, gnomAD 0.0009%).

NM_001379286.1(ZNF423):c.1487T>C (p.Met496Thr)

Gene: ZNF423 (zinc finger protein 423; minus strand). Cytogenetic location: 16q12.1.
Variant type: single nucleotide variant.
Coding change: c.1487T>C on transcript NM_001379286.1 (MANE Select); coding-DNA position 1487, T replaced by C.
Protein change: p.Met496Thr; replaces methionine 496 with threonine.
Molecular consequence: missense variant.
Genome position (GRCh38, 1-based): chr16:49,637,689, A>G on the plus strand (T>C on the coding strand, the complement: ZNF423 is on the minus strand). VCF-style: chr16-49637689-A-G. GRCh37 (hg19) VCF-style: chr16-49671600-A-G.
Other names: c.1283T>C, p.Met428Thr (NM_001271620.2); c.1112T>C, p.Met371Thr (NM_001330533.2); c.1463T>C, p.Met488Thr (NM_015069.5); short protein forms M428T, M371T, M496T, M488T.
Identifiers: ClinVar variation 1351929 (VCV001351929.8), dbSNP rs1394525022, ClinGen allele CA395848980.